The following is an entry in ClinVar:

NM_000169.3(GLA):c.794C>T (p.Pro265Leu)

Genes: GLA (galactosidase alpha; minus strand), RPL36A-HNRNPH2 (RPL36A-HNRNPH2 readthrough; plus strand). Cytogenetic location: Xq22.1.
Variant type: single nucleotide variant.
Coding change: c.794C>T on transcript NM_000169.3 (MANE Select); coding-DNA position 794, C replaced by T.
Protein change: p.Pro265Leu; replaces proline 265 with leucine.
Molecular consequence: missense variant. On other transcripts: non-coding transcript variant (3), intron variant (2).
Genome position (GRCh38, 1-based): chrX:101,398,792, G>A on the plus strand (C>T on the coding strand, the complement: GLA is on the minus strand). VCF-style: chrX-101398792-G-A. GRCh37 (hg19) VCF-style: chrX-100653780-G-A.
Other names: c.917C>T, p.Pro306Leu (NM_001406747.1); c.794C>T, p.Pro265Leu (NM_001406748.1); c.300+3335G>A (NM_001199973.2); c.177+6970G>A (NM_001199974.2); short protein forms P265L, P306L.
Identifiers: ClinVar variation 3724320 (VCV003724320.4).

ClinVar aggregate classification (germline): Conflicting classifications of pathogenicity. Review status: criteria provided, conflicting classifications (1 of 4 stars). 2 submissions from 2 submitters: Likely pathogenic (1); Uncertain significance (1). Last evaluated 2026-09-08.

Conditions:
Fabry disease. Also called: ALPHA-GALACTOSIDASE A DEFICIENCY; Fabry's disease; Ceramide trihexosidosis; Angiokeratoma corporis diffusum; ANDERSON-FABRY DISEASE; CERAMIDE TRIHEXOSIDASE DEFICIENCY. Identifiers: Orphanet 324, MedGen C0002986, MONDO:0010526, OMIM 301500, HP:0001071. Disease mechanism: loss of function, Fabry disease is due to inactivating mutations in the X-linked GLA gene resulting in deficiency of the enzyme Alpha Galactosidase-A..

Submissions (2):

Genomenon, Inc
Classification: Likely pathogenic for Fabry disease. Last evaluated: 2026-09-08. Review status: criteria provided, single submitter. Criteria: Genomenon Sequence Variant Interpretation Standards - Updated. Collection method: curation. Allele origin: germline. Affected: yes.
Comment: GLA p.Pro265Leu (c.794C>T) is a missense variant that changes the amino acid at codon 265 from Proline to Leucine. This variant has been observed in at least one proband with clinical features consistent with Fabry disease (PMID:22710134;38308295;14505049). The variant was found to segregate with disease in at least one affected family (PMID:14505049). Functional or patient cell studies have been reported (PMID:27657681). This variant is located in a mutational hotspot and/or important functional domain. It is absent or not present at a significant frequency in gnomAD. In silico models predict that this variant is possibly or probably damaging. In conclusion, we classify GLA p.Pro265Leu (c.794C>T) as a likely pathogenic variant.

Labcorp Genetics (formerly Invitae), Labcorp
Classification: Uncertain significance for Fabry disease. Last evaluated: 2025-08-06. Review status: criteria provided, single submitter. Criteria: Invitae Variant Classification Sherloc (09022015). Collection method: clinical testing. Allele origin: germline.
Comment: This sequence change replaces proline, which is neutral and non-polar, with leucine, which is neutral and non-polar, at codon 265 of the GLA protein (p.Pro265Leu). This variant is not present in population databases (gnomAD no frequency). This missense change has been observed in individual(s) with Fabry disease (PMID: 15776423, 30477121). ClinVar contains an entry for this variant (Variation ID: 3724320). Invitae Evidence Modeling of protein sequence and biophysical properties (such as structural, functional, and spatial information, amino acid conservation, physicochemical variation, residue mobility, and thermodynamic stability) indicates that this missense variant is not expected to disrupt GLA protein function with a negative predictive value of 80%. This variant disrupts the p.Pro265 amino acid residue in GLA. Other variant(s) that disrupt this residue have been observed in individuals with GLA-related conditions (PMID: 8931708), which suggests that this may be a clinically significant amino acid residue. In summary, the available evidence is currently insufficient to determine the role of this variant in disease. Therefore, it has been classified as a Variant of Uncertain Significance.

Literature cited by the submitters: PubMed 22710134 (cited by Genomenon, Inc); PubMed 38308295 (cited by Genomenon, Inc); PubMed 14505049 (cited by Genomenon, Inc); PubMed 27657681 (cited by Genomenon, Inc); PubMed 15776423 (cited by Labcorp Genetics (formerly Invitae), Labcorp); PubMed 30477121 (cited by Labcorp Genetics (formerly Invitae), Labcorp); PubMed 8931708 (cited by Labcorp Genetics (formerly Invitae), Labcorp).